The following is an entry in ClinVar:

ClinVar aggregate classification (germline): Benign. Review status: criteria provided, single submitter (1 of 4 stars). 2 submissions from 2 submitters: Benign (1). 1 of the submissions does not count toward it. Last evaluated 2026-01-12.

Conditions:
Periodic fever-infantile enterocolitis-autoinflammatory syndrome. Also called: Autoinflammation with infantile enterocolitis. Identifiers: Orphanet 436166, MedGen C4015067, MONDO:0014472, OMIM 616050.
Familial cold autoinflammatory syndrome 4 (FCAS4). Identifiers: Orphanet 47045, Orphanet 576349, MedGen C4015276, MONDO:0014498, OMIM 616115.

Allele frequency attached by ClinVar (database versions not stated): gnomAD exomes 0.00024 and 0.00051; gnomAD 0.00007 and 0.00008; ExAC 0.00040; TOPMed 0.00026.
gnomAD v4.1: 151 of 1,614,172 alleles (0.0094%); highest among the groups gnomAD compares: Admixed American, 0.25%; no homozygotes.

Submissions (2):

Labcorp Genetics (formerly Invitae), Labcorp
Classification: Benign for Periodic fever-infantile enterocolitis-autoinflammatory syndrome; Familial cold autoinflammatory syndrome 4. Last evaluated: 2026-01-12. Review status: criteria provided, single submitter. Criteria: Invitae Variant Classification Sherloc (09022015). Collection method: clinical testing. Allele origin: germline.

Human Evolutionary Genetics, Institut Pasteur
No classification provided. Review status: no classification provided. Collection method: not provided. Allele origin: germline. Not counted in ClinVar's aggregate classification.
ClinVar note: Converted during submission from untested to not provided.

NM_001199138.2(NLRC4):c.1122C>T (p.Asn374=)

Gene: NLRC4 (NLR family CARD domain containing 4; minus strand). Cytogenetic location: 2p22.3.
Variant type: single nucleotide variant.
Coding change: c.1122C>T on transcript NM_001199138.2 (MANE Select); coding-DNA position 1122, C replaced by T.
Protein change: p.Asn374=; no amino-acid change (asparagine 374 retained).
Molecular consequence: synonymous variant. On other transcripts: intron variant (1).
Genome position (GRCh38, 1-based): chr2:32,250,742, G>A on the plus strand (C>T on the coding strand, the complement: NLRC4 is on the minus strand). VCF-style: chr2-32250742-G-A. GRCh37 (hg19) VCF-style: chr2-32475811-G-A.
Other names: c.1122C>T, p.Asn374= (NM_001199139.2, NM_021209.5); c.262+1677C>T (NM_001302504.1).
Identifiers: ClinVar variation 103072 (VCV000103072.12), dbSNP rs199475954, ClinGen allele CA230073.